The following is an entry in ClinVar:

NM_014804.3(KIAA0753):c.2756G>C (p.Gly919Ala)

Gene: KIAA0753 (KIAA0753; minus strand). Cytogenetic location: 17p13.1.
Variant type: single nucleotide variant.
Coding change: c.2756G>C on transcript NM_014804.3 (MANE Select); coding-DNA position 2756, G replaced by C.
Protein change: p.Gly919Ala; replaces glycine 919 with alanine.
Molecular consequence: missense variant. On other transcripts: non-coding transcript variant (3).
Genome position (GRCh38, 1-based): chr17:6,589,809, C>G on the plus strand (G>C on the coding strand, the complement: KIAA0753 is on the minus strand). VCF-style: chr17-6589809-C-G. GRCh37 (hg19) VCF-style: chr17-6493129-C-G.
Other names: c.2756G>C (NM_014804.2); c.1859G>C, p.Gly620Ala (NM_001351225.2); short protein forms G620A, G919A.
Identifiers: ClinVar variation 2413979 (VCV002413979.7), dbSNP rs1323547942, ClinGen allele CA397403503.

ClinVar aggregate classification (germline): Uncertain significance. Review status: criteria provided, multiple submitters, no conflicts (2 of 4 stars). 2 submissions from 2 submitters: Uncertain significance (2). Last evaluated 2025-04-13.

Conditions:
Inborn genetic diseases. Identifiers: MedGen C0950123, MeSH D030342.

gnomAD v4.1: 17 of 1,613,156 alleles (0.0011%); highest among the groups gnomAD compares: Admixed American, 0.023%; no homozygotes.

Submissions (2):

Ambry Genetics
Classification: Uncertain significance for Inborn genetic diseases. Last evaluated: 2025-04-13. Review status: criteria provided, single submitter. Criteria: Ambry Variant Classification Scheme 2023. Collection method: clinical testing. Allele origin: germline.

Labcorp Genetics (formerly Invitae), Labcorp
Classification: Uncertain significance. Last evaluated: 2024-10-24. Review status: criteria provided, single submitter. Criteria: Invitae Variant Classification Sherloc (09022015). Collection method: clinical testing. Allele origin: germline.
Comment: This sequence change replaces glycine, which is neutral and non-polar, with alanine, which is neutral and non-polar, at codon 919 of the KIAA0753 protein (p.Gly919Ala). This variant is present in population databases (no rsID available, gnomAD 0.003%). This variant has not been reported in the literature in individuals affected with KIAA0753-related conditions. ClinVar contains an entry for this variant (Variation ID: 2413979). An algorithm developed to predict the effect of missense changes on protein structure and function (PolyPhen-2) suggests that this variant is likely to be disruptive. In summary, the available evidence is currently insufficient to determine the role of this variant in disease. Therefore, it has been classified as a Variant of Uncertain Significance.